The following is an entry in ClinVar:

ClinVar aggregate classification (germline): Uncertain significance (1 of 4 stars; one submission).

Submission:

Ambry Genetics
Classification: Uncertain significance. Last evaluated: 2025-06-21. Review status: criteria provided, single submitter. Criteria: Ambry Variant Classification Scheme 2023. Collection method: clinical testing. Allele origin: germline.
Comment: The p.A1152S variant (also known as c.3454G>T), located in coding exon 13 of the CDK12 gene, results from a G to T substitution at nucleotide position 3454. The alanine at codon 1152 is replaced by serine, an amino acid with similar properties. This amino acid position is conserved. In addition, this alteration is predicted to be tolerated by in silico analysis. Based on the available evidence, the clinical significance of this variant remains unclear.

NM_016507.4(CDK12):c.3454G>T (p.Ala1152Ser)

Gene: CDK12 (cyclin dependent kinase 12; plus strand). Cytogenetic location: 17q12.
Variant type: single nucleotide variant.
Coding change: c.3454G>T on transcript NM_016507.4 (MANE Select); coding-DNA position 3454, G replaced by T.
Protein change: p.Ala1152Ser; replaces alanine 1152 with serine.
Molecular consequence: missense variant.
Genome position (GRCh38, 1-based): chr17:39,526,010, G>T. VCF-style: chr17-39526010-G-T. GRCh37 (hg19) VCF-style: chr17-37682263-G-T.
Other names: c.3454G>T, p.Ala1152Ser (NM_015083.4); short protein forms A1152S.
Identifiers: ClinVar variation 4224207 (VCV004224207.1).
Genomic context (GRCh38, chr17:39,526,010, plus strand): 5'-CCTCAAATGGCACAGCTGCTTAACATCCACTCCAACCCAGAGATGCAGCAGCAGCTGGAA[G>T]CCCTGAACCAATCCATCAGTGCCCTGACGGAAGCTACTTCCCAGCAGCAGGACTCAGAGA-3'
Protein context (NP_057591.2, residues 1142-1162): SNPEMQQQLE[Ala1152Ser]LNQSISALTE